The following is an entry in ClinVar:

NM_003805.5(CRADD):c.382G>C (p.Gly128Arg)

Gene: CRADD (CARD and death domain containing adaptor protein; plus strand). Cytogenetic location: 12q22.
Variant type: single nucleotide variant.
Coding change: c.382G>C on transcript NM_003805.5 (MANE Select); coding-DNA position 382, G replaced by C.
Protein change: p.Gly128Arg; replaces glycine 128 with arginine.
Molecular consequence: missense variant. On other transcripts: intron variant (1).
Genome position (GRCh38, 1-based): chr12:93,850,053, G>C. VCF-style: chr12-93850053-G-C. GRCh37 (hg19) VCF-style: chr12-94243829-G-C.
Other names: CRADD, GLY128ARG (rs387906861); c.382G>C (NM_003805.3); c.382G>C, p.Gly128Arg (NM_001320099.2); c.299-43997G>C (NM_001320100.2); short protein forms G128R.
Identifiers: ClinVar variation 30360 (VCV000030360.6), dbSNP rs387906861, ClinGen allele CA129155.

ClinVar aggregate classification (germline): Conflicting classifications of pathogenicity. Review status: criteria provided, conflicting classifications (1 of 4 stars). 4 submissions from 4 submitters: Pathogenic (2); Uncertain significance (1). 1 of the submissions does not count toward it. Last evaluated 2023-12-05.

Conditions:
Intellectual developmental disorder, autosomal recessive 34, with variant lissencephaly. Also called: Intellectual disability, autosomal recessive 34. Identifiers: Orphanet 88616, MedGen C3281044, MONDO:0013785, OMIM 614499.

Allele frequency attached by ClinVar (database versions not stated): gnomAD exomes 0.00001; gnomAD 0.00005; TOPMed 0.00004; ExAC 0.00001.
gnomAD v4.1: 17 of 1,612,004 alleles (0.0011%); highest among the groups gnomAD compares: Non-Finnish European, 0.0014%; no homozygotes.

Submissions (4):

Women's Health and Genetics/Laboratory Corporation of America, LabCorp
Classification: Pathogenic for Intellectual developmental disorder, autosomal recessive 34, with variant lissencephaly. Last evaluated: 2023-12-05. Review status: criteria provided, single submitter. Criteria: LabCorp Variant Classification Summary - May 2015. Collection method: clinical testing. Allele origin: germline.
Comment: Variant summary: CRADD c.382G>C (p.Gly128Arg) results in a non-conservative amino acid change located in the Death domain (IPR000488) of the encoded protein sequence. Five of five in-silico tools predict a damaging effect of the variant on protein function. The variant allele was found at a frequency of 8e-06 in 251410 control chromosomes. c.382G>C has been reported in the literature in multiple homozygous individuals affected with non-syndromic intellectual disability (e.g. Puffenberger_2012) including thin lissencephaly (e.g. DiDonato_2016). These data indicate that the variant is very likely to be associated with disease. One publication reports experimental evidence showing the variant failed to activate caspase-2-initiated apoptosis required for neuronal pruning, compared to WT in vitro, however, additional evidence is necessary to make any conclusions about its effect on disease course (e.g. DiDonato_2016). The following publications have been ascertained in the context of this evaluation (PMID: 27773430, 22279524). Two submitters have cited clinical-significance assessments for this variant to ClinVar after 2014. One submitter classified the variant as pathogenic, and one submitter classified the variant as uncertain significance. Based on the evidence outlined above, the variant was classified as pathogenic.

GeneDx
Classification: Pathogenic. Last evaluated: 2022-03-29. Review status: criteria provided, single submitter. Criteria: GeneDx Variant Classification Process June 2021. Collection method: clinical testing. Allele origin: germline. Affected: yes.
Comment: Published functional studies demonstrate the variant results in reduced CRADD protein expression (Di Donato et al., 2016); In silico analysis supports that this missense variant has a deleterious effect on protein structure/function; Not observed at significant frequency in large population cohorts (gnomAD); This variant is associated with the following publications: (PMID: 30281648, 27773430, 22279524, 31028937, 28726809, Belarde2021[thesis])

Revvity Omics, Revvity
Classification: Uncertain significance for Intellectual developmental disorder, autosomal recessive 34, with variant lissencephaly. Last evaluated: 2019-01-17. Review status: criteria provided, single submitter. Criteria: ACMG Guidelines, 2015. Collection method: clinical testing. Allele origin: germline.

OMIM
Classification: Pathogenic for INTELLECTUAL DEVELOPMENTAL DISORDER, AUTOSOMAL RECESSIVE 34, WITH VARIANT LISSENCEPHALY. Last evaluated: 2012-01-01. Review status: no assertion criteria provided. Collection method: literature only. Allele origin: germline. Not counted in ClinVar's aggregate classification.

Literature cited by the submitters: PubMed 22279524 (cited by Women's Health and Genetics/Laboratory Corporation of America, LabCorp and OMIM); PubMed 27773430 (cited by Women's Health and Genetics/Laboratory Corporation of America, LabCorp and OMIM); Puffenberger, E. G. Personal Communication. 2012. Strasburg, Pa. (cited by OMIM).